The following is an entry in ClinVar:

ClinVar aggregate classification (germline): Pathogenic (1 of 4 stars; one submission).

Conditions:
Hereditary pheochromocytoma and paraganglioma. Also called: Hereditary paragangliomas and pheochromocytomas; Hereditary Paraganglioma-Pheochromocytoma Syndromes; Hereditary pheochromocytoma-paraganglioma. Identifiers: Orphanet 29072, MedGen C4274332, MONDO:0017366.

Submission:

Labcorp Genetics (formerly Invitae), Labcorp
Classification: Pathogenic for Hereditary pheochromocytoma and paraganglioma. Last evaluated: 2021-10-25. Review status: criteria provided, single submitter. Criteria: Invitae Variant Classification Sherloc (09022015). Collection method: clinical testing. Allele origin: germline.
Comment: For these reasons, this variant has been classified as Pathogenic. This variant has not been reported in the literature in individuals affected with MAX-related conditions. This variant is not present in population databases (gnomAD no frequency). This sequence change creates a premature translational stop signal (p.Leu31Trpfs*34) in the MAX gene. It is expected to result in an absent or disrupted protein product. Loss-of-function variants in MAX are known to be pathogenic (PMID: 21685915, 26070438).

Literature cited by the submitters: PubMed 21685915; PubMed 26070438.

NM_002382.5(MAX):c.91del (p.Leu31fs)

Genes: MAX (MYC associated transcriptional regulator X; minus strand), MAX-AS1 (MAX antisense RNA 1; plus strand). Cytogenetic location: 14q23.3.
Variant type: Deletion.
Coding change: c.91del on transcript NM_002382.5 (MANE Select); coding-DNA position 91, one base deleted (C; older notation c.91delC).
Protein change: p.Leu31fs; shifts the reading frame from leucine 31.
Molecular consequence: frameshift variant. On other transcripts: non-coding transcript variant (1), 5 prime UTR variant (1).
Genome position (GRCh38, 1-based): chr14:65,093,788, G deleted on the plus strand (C on the coding strand, the reverse complement: MAX is on the minus strand). VCF-style (leftmost placement, unchanged base first): chr14-65093787-AG-A. GRCh37 (hg19) VCF-style: chr14-65560505-AG-A.
Other names: c.64del, p.Leu22fs (NM_001271068.2, NM_001271069.2, NM_145112.3); c.-184del (NM_001320415.2); c.91delC, p.Leu31Trpfs (NM_001407094.1, NM_001407096.1, NM_001407097.1 and 2 more transcripts); c.64delC, p.Leu22Trpfs (NM_001407095.1, NM_001407099.1, NM_001407100.1 and 6 more transcripts); c.-184delC (NM_001407105.1, NM_001407106.1, NM_001407107.1); c.-277delC (NM_001407111.1, NM_001407112.1); c.114delC, p.Trp39Glyfs (NM_001407114.1); c.91del, p.Leu31fs (NM_145113.3, NM_145114.3, NM_197957.4); short protein forms L22fs, L31fs.
Identifiers: ClinVar variation 1454157 (VCV001454157.7), dbSNP rs2139886197, ClinGen allele CA2573150039.